The following is an entry in ClinVar:

NM_015559.3(SETBP1):c.59T>C (p.Leu20Pro)

Gene: SETBP1 (SET binding protein 1; plus strand). Cytogenetic location: 18q12.3.
Variant type: single nucleotide variant.
Coding change: c.59T>C on transcript NM_015559.3 (MANE Select); coding-DNA position 59, T replaced by C.
Protein change: p.Leu20Pro; replaces leucine 20 with proline.
Molecular consequence: missense variant.
Genome position (GRCh38, 1-based): chr18:44,701,405, T>C. VCF-style: chr18-44701405-T-C. GRCh37 (hg19) VCF-style: chr18-42281370-T-C.
Other names: c.59T>C, p.Leu20Pro (NM_001130110.2, NM_001379141.1, NM_001379142.1); short protein forms L20P.
Identifiers: ClinVar variation 1510316 (VCV001510316.8), dbSNP rs2144195501, ClinGen allele CA402481357.

ClinVar aggregate classification (germline): Uncertain significance (1 of 4 stars; one submission).

Submission:

Labcorp Genetics (formerly Invitae), Labcorp
Classification: Uncertain significance. Last evaluated: 2022-02-02. Review status: criteria provided, single submitter. Criteria: Invitae Variant Classification Sherloc (09022015). Collection method: clinical testing. Allele origin: germline.
Comment: In summary, the available evidence is currently insufficient to determine the role of this variant in disease. Therefore, it has been classified as a Variant of Uncertain Significance. Algorithms developed to predict the effect of missense changes on protein structure and function are either unavailable or do not agree on the potential impact of this missense change (SIFT: "Deleterious"; PolyPhen-2: "Probably Damaging"; Align-GVGD: "Class C0"). This sequence change replaces leucine, which is neutral and non-polar, with proline, which is neutral and non-polar, at codon 20 of the SETBP1 protein (p.Leu20Pro). This variant is not present in population databases (gnomAD no frequency). This variant has not been reported in the literature in individuals affected with SETBP1-related conditions.